The following is an entry in ClinVar:

NM_001205293.3(CACNA1E):c.2899G>A (p.Gly967Ser)

Gene: CACNA1E (calcium voltage-gated channel subunit alpha1 E; plus strand). Cytogenetic location: 1q25.3.
Variant type: single nucleotide variant.
Coding change: c.2899G>A on transcript NM_001205293.3 (MANE Select); coding-DNA position 2899, G replaced by A.
Protein change: p.Gly967Ser; replaces glycine 967 with serine.
Molecular consequence: missense variant.
Genome position (GRCh38, 1-based): chr1:181,732,985, G>A. VCF-style: chr1-181732985-G-A. GRCh37 (hg19) VCF-style: chr1-181702121-G-A.
Other names: c.2899G>A, p.Gly967Ser (NM_000721.4); c.2842G>A, p.Gly948Ser (NM_001205294.2); short protein forms G967S, G948S.
Identifiers: ClinVar variation 2060783 (VCV002060783.4), dbSNP rs2102553820, ClinGen allele CA343619437.

ClinVar aggregate classification (germline): Uncertain significance (1 of 4 stars; one submission).

Submission:

Labcorp Genetics (formerly Invitae), Labcorp
Classification: Uncertain significance. Last evaluated: 2022-08-10. Review status: criteria provided, single submitter. Criteria: Invitae Variant Classification Sherloc (09022015). Collection method: clinical testing. Allele origin: germline.
Comment: In summary, the available evidence is currently insufficient to determine the role of this variant in disease. Therefore, it has been classified as a Variant of Uncertain Significance. This sequence change replaces glycine, which is neutral and non-polar, with serine, which is neutral and polar, at codon 967 of the CACNA1E protein (p.Gly967Ser). This variant is not present in population databases (gnomAD no frequency). This variant has not been reported in the literature in individuals affected with CACNA1E-related conditions. Advanced modeling of protein sequence and biophysical properties (such as structural, functional, and spatial information, amino acid conservation, physicochemical variation, residue mobility, and thermodynamic stability) performed at Invitae indicates that this missense variant is not expected to disrupt CACNA1E protein function.